The following is an entry in ClinVar:

ClinVar aggregate classification (germline): Uncertain significance. Review status: criteria provided, multiple submitters, no conflicts (2 of 4 stars). 2 submissions from 2 submitters: Uncertain significance (2). Last evaluated 2026-06-05.

Conditions:
DYRK1B-related disorder. Also called: DYRK1B-related condition.

Allele frequency attached by ClinVar (database versions not stated): ExAC 0.00003; gnomAD exomes 0.00003; TOPMed 0.00011; gnomAD 0.00013; ESP Exome Variant Server 0.00015; 1000 Genomes Project 30x 0.00031.

Submissions (2):

PreventionGenetics, part of Exact Sciences
Classification: Uncertain significance for DYRK1B-related condition. Last evaluated: 2026-06-05. Review status: criteria provided, single submitter. Criteria: ACMG Guidelines, 2015. Collection method: clinical testing. Allele origin: germline.
Comment: The DYRK1B c.1030C>T variant is predicted to result in the amino acid substitution p.Arg344Cys. To our knowledge, this variant has not been reported in the literature. This variant is reported in 0.028% of alleles in individuals of African descent in gnomAD, which is more common than expected for an undocumented cause of disease. Although we suspect this variant may be benign, at this time, its clinical significance is uncertain due to the absence of conclusive functional and genetic evidence.

Labcorp Genetics (formerly Invitae), Labcorp
Classification: Uncertain significance. Last evaluated: 2023-12-17. Review status: criteria provided, single submitter. Criteria: Invitae Variant Classification Sherloc (09022015). Collection method: clinical testing. Allele origin: germline.
Comment: This sequence change replaces arginine, which is basic and polar, with cysteine, which is neutral and slightly polar, at codon 344 of the DYRK1B protein (p.Arg344Cys). This variant is present in population databases (rs368238144, gnomAD 0.04%). This variant has not been reported in the literature in individuals affected with DYRK1B-related conditions. ClinVar contains an entry for this variant (Variation ID: 2634218). Advanced modeling of protein sequence and biophysical properties (such as structural, functional, and spatial information, amino acid conservation, physicochemical variation, residue mobility, and thermodynamic stability) performed at Invitae indicates that this missense variant is not expected to disrupt DYRK1B protein function with a negative predictive value of 80%. In summary, the available evidence is currently insufficient to determine the role of this variant in disease. Therefore, it has been classified as a Variant of Uncertain Significance.

NM_004714.3(DYRK1B):c.1030C>T (p.Arg344Cys)

Gene: DYRK1B (dual specificity tyrosine phosphorylation regulated kinase 1B; minus strand). Cytogenetic location: 19q13.2.
Variant type: single nucleotide variant.
Coding change: c.1030C>T on transcript NM_004714.3 (MANE Select); coding-DNA position 1030, C replaced by T.
Protein change: p.Arg344Cys; replaces arginine 344 with cysteine.
Molecular consequence: missense variant.
Genome position (GRCh38, 1-based): chr19:39,827,350, G>A on the plus strand (C>T on the coding strand, the complement: DYRK1B is on the minus strand). VCF-style: chr19-39827350-G-A. GRCh37 (hg19) VCF-style: chr19-40317990-G-A.
Other names: c.1030C>T, p.Arg344Cys (NM_006483.3, NM_006484.3); short protein forms R344C.
Identifiers: ClinVar variation 2634218 (VCV002634218.5), dbSNP rs368238144, ClinGen allele CA9434139.